The following is an entry in ClinVar:

NM_006734.4(HIVEP2):c.1575C>G (p.Gly525=)

Gene: HIVEP2 (HIVEP zinc finger 2; minus strand). Cytogenetic location: 6q24.2.
Variant type: single nucleotide variant.
Coding change: c.1575C>G on transcript NM_006734.4 (MANE Select); coding-DNA position 1575, C replaced by G.
Protein change: p.Gly525=; no amino-acid change (glycine 525 retained).
Molecular consequence: synonymous variant.
Genome position (GRCh38, 1-based): chr6:142,773,164, G>C on the plus strand (C>G on the coding strand, the complement: HIVEP2 is on the minus strand). VCF-style: chr6-142773164-G-C. GRCh37 (hg19) VCF-style: chr6-143094301-G-C.
Other names: c.1575C>G (NM_006734.3).
Identifiers: ClinVar variation 2906589 (VCV002906589.5), dbSNP rs370569674, ClinGen allele CA4028574.
Genomic context (GRCh38, chr6:142,773,164, plus strand): 5'-TGAGTTGCTTCTAATAAGGGGTGAAGAGTCTACAGGAGCTTCTAAGAGAACCGGGTTGCT[G>C]CCTTGGAAGTTTGCTGGATAAAGTTTTCCTTCGTTCCTGATAGATGATGGAATAATCTGG-3'
Protein context (NP_006725.3, residues 515-535): EGKLYPANFQ[Gly525=]SNPVLLEAPV

ClinVar aggregate classification (germline): Likely benign. Review status: criteria provided, single submitter (1 of 4 stars). 2 submissions from 2 submitters: Likely benign (1). 1 of the submissions does not count toward it. Last evaluated 2026-01-19.

Conditions:
HIVEP2-related disorder. Also called: HIVEP2-related condition.

Allele frequency attached by ClinVar (database versions not stated): ESP Exome Variant Server 0.00008; TOPMed 0.00008; 1000 Genomes Project 30x 0.00016; 1000 Genomes Project 0.00020; ExAC 0.00003; gnomAD 0.00009.
gnomAD v4.1: 24 of 1,614,206 alleles (0.0015%); highest among the groups gnomAD compares: African/African-American, 0.028%; no homozygotes.

Submissions (2):

Labcorp Genetics (formerly Invitae), Labcorp
Classification: Likely benign. Last evaluated: 2026-01-19. Review status: criteria provided, single submitter. Criteria: Invitae Variant Classification Sherloc (09022015). Collection method: clinical testing. Allele origin: germline.

PreventionGenetics, part of Exact Sciences
Classification: Likely benign for HIVEP2-related condition. Last evaluated: 2019-06-07. Review status: no assertion criteria provided. Collection method: clinical testing. Allele origin: germline. Not counted in ClinVar's aggregate classification.
Comment: This variant is classified as likely benign based on ACMG/AMP sequence variant interpretation guidelines (Richards et al. 2015 PMID: 25741868, with internal and published modifications).